The following is an entry in ClinVar:

ClinVar aggregate classification (germline): Uncertain significance (1 of 4 stars; one submission).

Conditions:
Familial cancer of breast. Also called: hereditary breast carcinoma; Hereditary breast cancer; BREAST CANCER, FAMILIAL. Identifiers: Orphanet 227535, MedGen C0346153, MONDO:0016419, OMIM 114480. Disease mechanism: loss of function.

Submission:

Institute of Human Genetics, University of Goettingen
Classification: Uncertain significance for Familial cancer of breast. Last evaluated: 2022-08-12. Review status: criteria provided, single submitter. Criteria: ACMG Guidelines, 2015. Collection method: clinical testing. Allele origin: unknown. Inheritance: Autosomal dominant inheritance. Observed: 1 heterozygote.
Comment: The variant c.4381T>G (p.(Trp1461Gly)) in exon 29 of the ATM-gene is not found in the gnomAD database, it affects a moderately conserved nucleotide, a highly conserved amino acid within a protein domain and there is a large physicochemical difference between Trp and Gly. This variant has a pathogenic computational verdict based on in silico predictions algorithms. ACMG criteria used for classification: PM2, PP3.

NM_000051.4(ATM):c.4381T>G (p.Trp1461Gly)

Gene: ATM (ATM serine/threonine kinase; plus strand). Cytogenetic location: 11q22.3.
Variant type: single nucleotide variant.
Coding change: c.4381T>G on transcript NM_000051.4 (MANE Select); coding-DNA position 4381, T replaced by G.
Protein change: p.Trp1461Gly; replaces tryptophan 1461 with glycine.
Molecular consequence: missense variant.
Genome position (GRCh38, 1-based): chr11:108,289,746, T>G. VCF-style: chr11-108289746-T-G. GRCh37 (hg19) VCF-style: chr11-108160473-T-G.
Other names: c.4381T>G, p.Trp1461Gly (NM_001351834.2); short protein forms W1461G.
Identifiers: ClinVar variation 1700621 (VCV001700621.2), dbSNP rs982008501, ClinGen allele CA382532128.